The following is an entry in ClinVar:

ClinVar aggregate classification (germline): Uncertain significance (1 of 4 stars; one submission).

Submission:

Labcorp Genetics (formerly Invitae), Labcorp
Classification: Uncertain significance. Last evaluated: 2023-11-06. Review status: criteria provided, single submitter. Criteria: Invitae Variant Classification Sherloc (09022015). Collection method: clinical testing. Allele origin: germline.
Comment: This sequence change replaces arginine, which is basic and polar, with proline, which is neutral and non-polar, at codon 683 of the COMP protein (p.Arg683Pro). This variant is not present in population databases (gnomAD no frequency). This variant has not been reported in the literature in individuals affected with COMP-related conditions. Advanced modeling of protein sequence and biophysical properties (such as structural, functional, and spatial information, amino acid conservation, physicochemical variation, residue mobility, and thermodynamic stability) performed at Invitae indicates that this missense variant is expected to disrupt COMP protein function with a positive predictive value of 80%. In summary, the available evidence is currently insufficient to determine the role of this variant in disease. Therefore, it has been classified as a Variant of Uncertain Significance.

NM_000095.3(COMP):c.2048G>C (p.Arg683Pro)

Gene: COMP (cartilage oligomeric matrix protein; minus strand). Cytogenetic location: 19p13.11.
Variant type: single nucleotide variant.
Coding change: c.2048G>C on transcript NM_000095.3 (MANE Select); coding-DNA position 2048, G replaced by C.
Protein change: p.Arg683Pro; replaces arginine 683 with proline.
Molecular consequence: missense variant.
Genome position (GRCh38, 1-based): chr19:18,784,230, C>G on the plus strand (G>C on the coding strand, the complement: COMP is on the minus strand). VCF-style: chr19-18784230-C-G. GRCh37 (hg19) VCF-style: chr19-18895040-C-G.
Other names: short protein forms R683P.
Identifiers: ClinVar variation 2791134 (VCV002791134.3), dbSNP rs565459602, ClinGen allele CA306252884.